The following is an entry in ClinVar:

ClinVar aggregate classification (germline): Uncertain significance. Review status: criteria provided, multiple submitters, no conflicts (2 of 4 stars). 4 submissions from 4 submitters: Uncertain significance (4). Last evaluated 2025-12-08.

Conditions:
Cardiac arrhythmia. Also called: Arrhythmia; Cardiac rhythm disease. Identifiers: MedGen C0003811, MONDO:0007263, HP:0011675.
Long QT syndrome (LQTS). Identifiers: MedGen C0023976, MeSH D008133, MONDO:0002442. Disease mechanism: loss of function. Inheritance: Various modes of inheritance.
Cardiovascular phenotype. Identifiers: MedGen CN230736.

Allele frequency attached by ClinVar (database versions not stated): gnomAD 0.00001; gnomAD exomes 0.00002; ExAC 0.00003.

Submissions (4):

Labcorp Genetics (formerly Invitae), Labcorp
Classification: Uncertain significance for Long QT syndrome. Last evaluated: 2025-12-08. Review status: criteria provided, single submitter. Criteria: Invitae Variant Classification Sherloc (09022015). Collection method: clinical testing. Allele origin: germline.
Comment: This sequence change replaces valine, which is neutral and non-polar, with isoleucine, which is neutral and non-polar, at codon 644 of the KCNH2 protein (p.Val644Ile). This variant is present in population databases (rs199472972, gnomAD 0.01%). This variant has not been reported in the literature in individuals affected with KCNH2-related conditions. ClinVar contains an entry for this variant (Variation ID: 1009718). An algorithm developed to predict the effect of missense changes on protein structure and function (PolyPhen-2) suggests that this variant is likely to be disruptive. In summary, the available evidence is currently insufficient to determine the role of this variant in disease. Therefore, it has been classified as a Variant of Uncertain Significance.

Ambry Genetics
Classification: Uncertain significance for Cardiovascular phenotype. Last evaluated: 2025-02-28. Review status: criteria provided, single submitter. Criteria: Ambry Variant Classification Scheme 2023. Collection method: clinical testing. Allele origin: germline.
Comment: The p.V644I variant (also known as c.1930G>A), located in coding exon 7 of the KCNH2 gene, results from a G to A substitution at nucleotide position 1930. The valine at codon 644 is replaced by isoleucine, an amino acid with highly similar properties. This amino acid position is well conserved in available vertebrate species. In addition, this alteration is predicted to be deleterious by in silico analysis. Based on the available evidence, the clinical significance of this variant remains unclear.

Color Diagnostics, LLC DBA Color Health
Classification: Uncertain significance for Cardiac arrhythmia. Last evaluated: 2023-05-31. Review status: criteria provided, single submitter. Criteria: ACMG Guidelines, 2015. Collection method: clinical testing. Allele origin: germline.
Comment: This missense variant replaces valine with isoleucine at codon 644 of the KCNH2 protein. Computational prediction suggests that this variant may have deleterious impact on protein structure and function (internally defined REVEL score threshold >= 0.7, PMID: 27666373). To our knowledge, functional studies have not been reported for this variant. This variant has not been reported in individuals affected with KCNH2-related disorders in the literature. This variant has been identified in 4/251402 chromosomes in the general population by the Genome Aggregation Database (gnomAD). The available evidence is insufficient to determine the role of this variant in disease conclusively. Therefore, this variant is classified as a Variant of Uncertain Significance.

AiLife Diagnostics
Classification: Uncertain significance. Last evaluated: 2021-09-07. Review status: criteria provided, single submitter. Criteria: ACMG Guidelines, 2015. Collection method: clinical testing. Allele origin: germline. Affected: yes. Observed: 1 variant allele.

NM_000238.4(KCNH2):c.1930G>A (p.Val644Ile)

Gene: KCNH2 (potassium voltage-gated channel subfamily H member 2; minus strand). Cytogenetic location: 7q36.1.
Variant type: single nucleotide variant.
Coding change: c.1930G>A on transcript NM_000238.4 (MANE Select); coding-DNA position 1930, G replaced by A.
Protein change: p.Val644Ile; replaces valine 644 with isoleucine.
Molecular consequence: missense variant.
Genome position (GRCh38, 1-based): chr7:150,951,463, C>T on the plus strand (G>A on the coding strand, the complement: KCNH2 is on the minus strand). VCF-style: chr7-150951463-C-T. GRCh37 (hg19) VCF-style: chr7-150648551-C-T.
Other names: c.910G>A, p.Val304Ile (NM_001204798.2, NM_172057.3); c.1642G>A, p.Val548Ile (NM_001406753.1, NM_001406756.1); c.1753G>A, p.Val585Ile (NM_001406755.1); c.1630G>A, p.Val544Ile (NM_001406757.1); c.1930G>A, p.Val644Ile (NM_172056.3); short protein forms V304I, V644I, V548I, V544I, V585I.
Identifiers: ClinVar variation 1009718 (VCV001009718.11), dbSNP rs199472972, ClinGen allele CA029804.